The following is an entry in ClinVar:

NM_001868.4(CPA1):c.227A>G (p.Lys76Arg)

Gene: CPA1 (carboxypeptidase A1; plus strand). Cytogenetic location: 7q32.2.
Variant type: single nucleotide variant.
Coding change: c.227A>G on transcript NM_001868.4 (MANE Select); coding-DNA position 227, A replaced by G.
Protein change: p.Lys76Arg; replaces lysine 76 with arginine.
Molecular consequence: missense variant.
Genome position (GRCh38, 1-based): chr7:130,381,709, A>G. VCF-style: chr7-130381709-A-G. GRCh37 (hg19) VCF-style: chr7-130021550-A-G.
Other names: short protein forms K76R.
Identifiers: ClinVar variation 5034907 (VCV005034907.1).

ClinVar aggregate classification (germline): Uncertain significance (1 of 4 stars; one submission).

Conditions:
Hereditary pancreatitis (PCTT). Also called: Hereditary chronic pancreatitis; PRSS1-Related Hereditary Pancreatitis. Identifiers: Orphanet 676, MedGen C0238339, MONDO:0008185, OMIM 167800.

gnomAD v4.1: 2 of 1,614,106 alleles (0.00012%); highest among the groups gnomAD compares: South Asian, 0.0022%; no homozygotes.

Submission:

Ambry Genetics
Classification: Uncertain significance for Hereditary pancreatitis. Last evaluated: 2026-07-04. Review status: criteria provided, single submitter. Criteria: Ambry Variant Classification Scheme 2023. Collection method: clinical testing. Allele origin: germline.
Comment: The p.K76R variant (also known as c.227A>G), located in coding exon 3 of the CPA1 gene, results from an A to G substitution at nucleotide position 227. The lysine at codon 76 is replaced by arginine, an amino acid with highly similar properties. This amino acid position is conserved. In addition, this alteration is predicted to be tolerated by in silico analysis. Based on the available evidence, the clinical significance of this variant remains unclear.